The following is an entry in ClinVar:

NM_001111067.4(ACVR1):c.1381T>C (p.Trp461Arg)

Gene: ACVR1 (activin A receptor type 1; minus strand). Cytogenetic location: 2q24.1.
Variant type: single nucleotide variant.
Coding change: c.1381T>C on transcript NM_001111067.4 (MANE Select); coding-DNA position 1381, T replaced by C.
Protein change: p.Trp461Arg; replaces tryptophan 461 with arginine.
Molecular consequence: missense variant.
Genome position (GRCh38, 1-based): chr2:157,738,454, A>G on the plus strand (T>C on the coding strand, the complement: ACVR1 is on the minus strand). VCF-style: chr2-157738454-A-G. GRCh37 (hg19) VCF-style: chr2-158594966-A-G.
Other names: c.1381T>C, p.Trp461Arg (NM_001105.5, NM_001347663.1, NM_001347664.1 and 3 more transcripts); short protein forms W461R.
Identifiers: ClinVar variation 4725917 (VCV004725917.1).

ClinVar aggregate classification (germline): Uncertain significance (1 of 4 stars; one submission).

Submission:

Labcorp Genetics (formerly Invitae), Labcorp
Classification: Uncertain significance. Last evaluated: 2025-08-24. Review status: criteria provided, single submitter. Criteria: Invitae Variant Classification Sherloc (09022015). Collection method: clinical testing. Allele origin: germline.
Comment: This sequence change replaces tryptophan, which is neutral and slightly polar, with arginine, which is basic and polar, at codon 461 of the ACVR1 protein (p.Trp461Arg). This variant is not present in population databases (gnomAD no frequency). This variant has not been reported in the literature in individuals affected with ACVR1-related conditions. An algorithm developed to predict the effect of missense changes on protein structure and function (PolyPhen-2) suggests that this variant is likely to be disruptive. In summary, the available evidence is currently insufficient to determine the role of this variant in disease. Therefore, it has been classified as a Variant of Uncertain Significance.